The following is an entry in ClinVar:

ClinVar aggregate classification (germline): Likely benign (1 of 4 stars; one submission).

gnomAD v4.1: 286 of 1,614,044 alleles (0.018%); highest among the groups gnomAD compares: Non-Finnish European, 0.023%; no homozygotes.

Submission:

CeGaT Center for Human Genetics Tuebingen
Classification: Likely benign. Last evaluated: 2026-08-01. Review status: criteria provided, single submitter. Criteria: CeGaT Center For Human Genetics Tuebingen Variant Classification Criteria Version 2. Collection method: clinical testing. Allele origin: germline. Affected: yes. Observed: 3 variant alleles.
Comment: ELP2: BP4, BP7

NM_018255.4(ELP2):c.2184C>T (p.Val728=)

Gene: ELP2 (elongator acetyltransferase complex subunit 2; plus strand). Cytogenetic location: 18q12.2.
Variant type: single nucleotide variant.
Coding change: c.2184C>T on transcript NM_018255.4 (MANE Select); coding-DNA position 2184, C replaced by T.
Protein change: p.Val728=; no amino-acid change (valine 728 retained).
Molecular consequence: synonymous variant. On other transcripts: non-coding transcript variant (3).
Genome position (GRCh38, 1-based): chr18:36,170,170, C>T. VCF-style: chr18-36170170-C-T. GRCh37 (hg19) VCF-style: chr18-33750133-C-T.
Other names: c.2379C>T, p.Val793= (NM_001242875.3); c.2169C>T, p.Val723= (NM_001242876.3); c.2106C>T, p.Val702= (NM_001242877.3); c.1974C>T, p.Val658= (NM_001242878.3, NM_001242879.3); c.2052C>T, p.Val684= (NM_001324465.2); c.2301C>T, p.Val767= (NM_001324466.2); c.2034C>T, p.Val678= (NM_001324467.2); c.1737C>T, p.Val579= (NM_001324468.2).
Identifiers: ClinVar variation 3771657 (VCV003771657.13).